The following is an entry in ClinVar:

ClinVar aggregate classification (germline): Pathogenic/Likely pathogenic. Review status: criteria provided, multiple submitters, no conflicts (2 of 4 stars). 2 submissions from 2 submitters: Pathogenic (1); Likely pathogenic (1). Last evaluated 2025-08-12.

Conditions:
Hypogonadotropic hypogonadism 2 with or without anosmia (HH2). Also called: HYPOGONADOTROPIC HYPOGONADISM 2 WITHOUT ANOSMIA; FGFR1-Related GnRH Deficiency (Kallmann Syndrome 2); HYPOGONADOTROPIC HYPOGONADISM 2 WITH OR WITHOUT ANOSMIA, SUSCEPTIBILITY TO; HYPOGONADOTROPIC HYPOGONADISM 2 WITHOUT ANOSMIA, SUSCEPTIBILITY TO. Identifiers: Orphanet 478, MedGen C1563720, MONDO:0007844, OMIM 147950. Disease mechanism: loss of function.
Pfeiffer syndrome (ACS5). Also called: ACS V. Identifiers: Orphanet 710, MedGen C0220658, MONDO:0007043, OMIM 101600.

Submissions (2):

Labcorp Genetics (formerly Invitae), Labcorp
Classification: Likely pathogenic for Pfeiffer syndrome; Hypogonadotropic hypogonadism 2 with or without anosmia. Last evaluated: 2025-08-12. Review status: criteria provided, single submitter. Criteria: Invitae Variant Classification Sherloc (09022015). Collection method: clinical testing. Allele origin: germline.
Comment: This sequence change affects a donor splice site in intron 2 of the FGFR1 gene. It is expected to disrupt RNA splicing. Variants that disrupt the donor or acceptor splice site typically lead to a loss of protein function (PMID: 16199547), and loss-of-function variants in FGFR1 are known to be pathogenic (PMID: 12627230). This variant is not present in population databases (gnomAD no frequency). This variant has not been reported in the literature in individuals affected with FGFR1-related conditions. ClinVar contains an entry for this variant (Variation ID: 634622). Algorithms developed to predict the effect of sequence changes on RNA splicing suggest that this variant may disrupt the consensus splice site. In summary, the currently available evidence indicates that the variant is pathogenic, but additional data are needed to prove that conclusively. Therefore, this variant has been classified as Likely Pathogenic.

Genomic Research Center, Shahid Beheshti University of Medical Sciences
Classification: Pathogenic. Last evaluated: 2019-01-01. Review status: criteria provided, single submitter. Criteria: ACMG Guidelines, 2015. Collection method: clinical testing. Allele origin: unknown. Affected: yes. Observed: 1 variant allele.

Literature cited by the submitters: PubMed 16199547 (cited by Labcorp Genetics (formerly Invitae), Labcorp); PubMed 12627230 (cited by Labcorp Genetics (formerly Invitae), Labcorp).

NM_023110.3(FGFR1):c.91+1G>A

Gene: FGFR1 (fibroblast growth factor receptor 1; minus strand). Cytogenetic location: 8p11.23.
Variant type: single nucleotide variant.
Coding change: c.91+1G>A on transcript NM_023110.3 (MANE Select); the canonical splice donor site of the intron after coding-DNA position 91, G replaced by A.
Molecular consequence: splice donor variant.
Genome position (GRCh38, 1-based): chr8:38,457,355, C>T on the plus strand (G>A on the coding strand, the complement: FGFR1 is on the minus strand). VCF-style: chr8-38457355-C-T. GRCh37 (hg19) VCF-style: chr8-38314873-C-T.
Other names: c.91+1G>A (NM_001354368.2, NM_001354370.2, NM_023106.3 and 8 more transcripts); c.-2+1G>A (NM_001174064.2); c.190+1G>A (NM_001174067.2).
Identifiers: ClinVar variation 634622 (VCV000634622.4), dbSNP rs1563626890, ClinGen allele CA370767113.